The following is an entry in ClinVar:

ClinVar aggregate classification (germline): Likely pathogenic (1 of 4 stars; one submission).

Conditions:
Intellectual developmental disorder, autosomal dominant 6, with or without seizures. Also called: Intellectual disability, autosomal dominant 6; GRIN2B-related developmental delay, intellectual disability and autism spectrum disorder. Identifiers: Orphanet 589547, MedGen C3151411, MONDO:0013509, OMIM 613970.

Submission:

MVZ Medizinische Genetik Mainz
Classification: Likely pathogenic for Intellectual developmental disorder, autosomal dominant 6, with or without seizures. Last evaluated: 2023-05-30. Review status: criteria provided, single submitter. Criteria: UK Practice Guidelines For Variant Classification V4 01 2020. Collection method: clinical testing. Allele origin: germline. Inheritance: Autosomal dominant inheritance. Affected: yes. Observed: 1 variant allele.
Comment: ACMG Criteria: PP3_MOD,PS2_SUP,PM2_SUP,PP2

NM_000834.5(GRIN2B):c.509C>T (p.Ser170Phe)

Gene: GRIN2B (glutamate ionotropic receptor NMDA type subunit 2B; minus strand). Cytogenetic location: 12p13.1.
Variant type: single nucleotide variant.
Coding change: c.509C>T on transcript NM_000834.5 (MANE Select); coding-DNA position 509, C replaced by T.
Protein change: p.Ser170Phe; replaces serine 170 with phenylalanine.
Molecular consequence: missense variant.
Genome position (GRCh38, 1-based): chr12:13,753,818, G>A on the plus strand (C>T on the coding strand, the complement: GRIN2B is on the minus strand). VCF-style: chr12-13753818-G-A. GRCh37 (hg19) VCF-style: chr12-13906752-G-A.
Other names: c.509C>T, p.Ser170Phe (NM_001413992.1, NM_001413993.1, NM_001413994.1 and 1 more transcripts); short protein forms S170F.
Identifiers: ClinVar variation 3236045 (VCV003236045.1), dbSNP rs2497778295, ClinGen allele CA384054563.